The following is an entry in ClinVar:

ClinVar aggregate classification (germline): Uncertain significance. Review status: criteria provided, multiple submitters, no conflicts (2 of 4 stars). 2 submissions from 2 submitters: Uncertain significance (2). Last evaluated 2023-04-24.

Conditions:
Hereditary diffuse gastric adenocarcinoma (HDGC). Also called: DIFFUSE GASTRIC AND LOBULAR BREAST CANCER SYNDROME. Identifiers: Orphanet 26106, MedGen C1708349, MONDO:0007648, OMIM 137215.
Hereditary cancer-predisposing syndrome. Also called: Neoplastic Syndromes, Hereditary; Tumor predisposition; Hereditary neoplastic syndrome; Hereditary Cancer Syndrome. Identifiers: Orphanet 140162, MedGen C0027672, MeSH D009386, MONDO:0015356.

Submissions (2):

Labcorp Genetics (formerly Invitae), Labcorp
Classification: Uncertain significance for Hereditary diffuse gastric adenocarcinoma. Last evaluated: 2023-04-24. Review status: criteria provided, single submitter. Criteria: Invitae Variant Classification Sherloc (09022015). Collection method: clinical testing. Allele origin: germline.
Comment: This variant is not present in population databases (gnomAD no frequency). This sequence change replaces proline, which is neutral and non-polar, with threonine, which is neutral and polar, at codon 799 of the CDH1 protein (p.Pro799Thr). An algorithm developed to predict the effect of missense changes on protein structure and function (PolyPhen-2) suggests that this variant is likely to be disruptive. ClinVar contains an entry for this variant (Variation ID: 1790607). This variant has not been reported in the literature in individuals affected with CDH1-related conditions. In summary, the available evidence is currently insufficient to determine the role of this variant in disease. Therefore, it has been classified as a Variant of Uncertain Significance.

Ambry Genetics
Classification: Uncertain significance for Hereditary cancer-predisposing syndrome. Last evaluated: 2022-09-28. Review status: criteria provided, single submitter. Criteria: Ambry Variant Classification Scheme 2023. Collection method: clinical testing. Allele origin: germline.
Comment: The p.P799T variant (also known as c.2395C>A), located in coding exon 15 of the CDH1 gene, results from a C to A substitution at nucleotide position 2395. The proline at codon 799 is replaced by threonine, an amino acid with highly similar properties. This amino acid position is conserved. In addition, the in silico prediction for this alteration is inconclusive. Since supporting evidence is limited at this time, the clinical significance of this alteration remains unclear.

NM_004360.5(CDH1):c.2395C>A (p.Pro799Thr)

Gene: CDH1 (cadherin 1; plus strand). Cytogenetic location: 16q22.1.
Variant type: single nucleotide variant.
Coding change: c.2395C>A on transcript NM_004360.5 (MANE Select); coding-DNA position 2395, C replaced by A.
Protein change: p.Pro799Thr; replaces proline 799 with threonine.
Molecular consequence: missense variant.
Genome position (GRCh38, 1-based): chr16:68,829,753, C>A. VCF-style: chr16-68829753-C-A. GRCh37 (hg19) VCF-style: chr16-68863656-C-A.
Other names: c.2212C>A, p.Pro738Thr (NM_001317184.2); c.847C>A, p.Pro283Thr (NM_001317185.2); c.430C>A, p.Pro144Thr (NM_001317186.2); short protein forms P799T, P144T, P283T, P738T.
Identifiers: ClinVar variation 1790607 (VCV001790607.5), dbSNP rs1596972749, ClinGen allele CA396471189.